The following is an entry in ClinVar:

ClinVar aggregate classification (germline): Uncertain significance (1 of 4 stars; one submission).

Conditions:
Neuropathy, hereditary sensory and autonomic, type 2A (HSAN2A). Also called: ACROOSTEOLYSIS, GIACCAI TYPE; ACROOSTEOLYSIS, NEUROGENIC; WNK1-Related HSAN2 (HSAN2A); MORVAN DISEASE; NEUROPATHY, CONGENITAL SENSORY; NEUROPATHY, HEREDITARY SENSORY RADICULAR, AUTOSOMAL RECESSIVE. Identifiers: Orphanet 970, MedGen C2752089, MONDO:0024309, OMIM 201300.
Generalized epilepsy with febrile seizures plus, type 7 (GEFSP7). Also called: GEFS+, TYPE 7. Identifiers: Orphanet 36387, MedGen C2751778, MONDO:0013470, OMIM 613863.

Submission:

Labcorp Genetics (formerly Invitae), Labcorp
Classification: Uncertain significance for Neuropathy, hereditary sensory and autonomic, type 2A; Generalized epilepsy with febrile seizures plus, type 7. Last evaluated: 2024-02-07. Review status: criteria provided, single submitter. Criteria: Invitae Variant Classification Sherloc (09022015). Collection method: clinical testing. Allele origin: germline.
Comment: This sequence change replaces glutamic acid, which is acidic and polar, with lysine, which is basic and polar, at codon 1093 of the SCN9A protein (p.Glu1093Lys). This variant is not present in population databases (gnomAD no frequency). This variant has not been reported in the literature in individuals affected with SCN9A-related conditions. Advanced modeling of protein sequence and biophysical properties (such as structural, functional, and spatial information, amino acid conservation, physicochemical variation, residue mobility, and thermodynamic stability) performed at Invitae indicates that this missense variant is not expected to disrupt SCN9A protein function with a negative predictive value of 95%. In summary, the available evidence is currently insufficient to determine the role of this variant in disease. Therefore, it has been classified as a Variant of Uncertain Significance.

NM_001365536.1(SCN9A):c.3310G>A (p.Glu1104Lys)

Genes: SCN1A-AS1 (SCN1A and SCN9A antisense RNA 1; plus strand), SCN9A (sodium voltage-gated channel alpha subunit 9; minus strand). Cytogenetic location: 2q24.3.
Variant type: single nucleotide variant.
Coding change: c.3310G>A on transcript NM_001365536.1 (MANE Select); coding-DNA position 3310, G replaced by A.
Protein change: p.Glu1104Lys; replaces glutamic acid 1104 with lysine.
Molecular consequence: missense variant.
Genome position (GRCh38, 1-based): chr2:166,272,440, C>T on the plus strand (G>A on the coding strand, the complement: SCN9A is on the minus strand). VCF-style: chr2-166272440-C-T. GRCh37 (hg19) VCF-style: chr2-167128950-C-T.
Other names: c.3277G>A, p.Glu1093Lys (NM_002977.4); short protein forms E1093K, E1104K.
Identifiers: ClinVar variation 3754477 (VCV003754477.2).